The following is an entry in ClinVar:

NC_000015.9:g.(?_48826257)_(49097846_?)del

Genes: CEP152 (centrosomal protein 152; minus strand), FBN1 (fibrillin 1; minus strand). Cytogenetic location: 15q21.1.
Variant type: Deletion.
Identifiers: ClinVar variation 2422441 (VCV002422441.4).

ClinVar aggregate classification (germline): Pathogenic (1 of 4 stars; one submission).

Conditions:
Marfan syndrome (MFS). Also called: MARFAN SYNDROME, TYPE I; FBN1-Related Marfan Syndrome; Marfan syndrome type 1; Marfan's syndrome; Marfan syndrome, classic. Identifiers: Orphanet 284963, Orphanet 558, MedGen C0024796, MONDO:0007947, OMIM 154700.
Familial thoracic aortic aneurysm and aortic dissection (TAAD). Also called: Thoracic aortic aneurysms and dissections. Identifiers: Orphanet 91387, MedGen C4707243, MONDO:0019625.

Submission:

Labcorp Genetics (formerly Invitae), Labcorp
Classification: Pathogenic for Marfan syndrome; Familial thoracic aortic aneurysm and aortic dissection. Last evaluated: 2022-02-14. Review status: criteria provided, single submitter. Criteria: Invitae Variant Classification Sherloc (09022015). Collection method: clinical testing. Allele origin: germline.
Comment: For these reasons, this variant has been classified as Pathogenic. This variant has not been reported in the literature in individuals affected with FBN1-related conditions. This variant is a gross deletion of the genomic region encompassing exon(s) 1-8 of the FBN1 gene, which includes the initiator codon. This deletion extends beyond the assayed region for this gene and therefore may encompass additional genes. It is expected to result in an absent or disrupted protein product. Loss-of-function variants in FBN1 are known to be pathogenic (PMID: 17657824, 19293843).

Literature cited by the submitters: PubMed 17657824; PubMed 19293843.